The following is an entry in ClinVar:

NM_018124.4(RFWD3):c.1578-14T>C

Gene: RFWD3 (ring finger and WD repeat domain 3; minus strand). Cytogenetic location: 16q23.1.
Variant type: single nucleotide variant.
Coding change: c.1578-14T>C on transcript NM_018124.4 (MANE Select); 14 bases into the intron before coding-DNA position 1578, T replaced by C.
Molecular consequence: intron variant.
Genome position (GRCh38, 1-based): chr16:74,630,971, A>G on the plus strand (T>C on the coding strand, the complement: RFWD3 is on the minus strand). VCF-style: chr16-74630971-A-G. GRCh37 (hg19) VCF-style: chr16-74664869-A-G.
Other names: c.1577+1552T>C (NM_001370536.1); c.744-14T>C (NM_001370537.1, NM_001370543.1, NM_001370542.1 and 2 more transcripts); c.1578-14T>C (NM_001370535.1, NM_001370534.1).
Identifiers: ClinVar variation 2871545 (VCV002871545.3), dbSNP rs372342753, ClinGen allele CA8169137.

ClinVar aggregate classification (germline): Uncertain significance (1 of 4 stars; one submission).

Allele frequency attached by ClinVar (database versions not stated): ExAC 0.00002; gnomAD 0.00005; gnomAD exomes 0.00005; TOPMed 0.00005; ESP Exome Variant Server 0.00015.
gnomAD v4.1: 78 of 1,592,464 alleles (0.0049%); highest among the groups gnomAD compares: Non-Finnish European, 0.006%; no homozygotes.

Submission:

Labcorp Genetics (formerly Invitae), Labcorp
Classification: Uncertain significance. Last evaluated: 2024-12-24. Review status: criteria provided, single submitter. Criteria: Invitae Variant Classification Sherloc (09022015). Collection method: clinical testing. Allele origin: germline.
Comment: This sequence change falls in intron 9 of the RFWD3 gene. It does not directly change the encoded amino acid sequence of the RFWD3 protein. This variant is present in population databases (rs372342753, gnomAD 0.005%). This variant has not been reported in the literature in individuals affected with RFWD3-related conditions. ClinVar contains an entry for this variant (Variation ID: 2871545). Algorithms developed to predict the effect of sequence changes on RNA splicing suggest that this variant may disrupt the consensus splice site. In summary, the available evidence is currently insufficient to determine the role of this variant in disease. Therefore, it has been classified as a Variant of Uncertain Significance.